The following is an entry in ClinVar:

ClinVar aggregate classification (germline): Conflicting classifications of pathogenicity. Review status: criteria provided, conflicting classifications (1 of 4 stars). 3 submissions from 3 submitters: Uncertain significance (2); Likely benign (1). Last evaluated 2025-12-14.

Allele frequency attached by ClinVar (database versions not stated): gnomAD 0.00004 and 0.00005; TOPMed 0.00005; ExAC 0.00014; gnomAD exomes 0.00014 and 0.00019; ESP Exome Variant Server 0.00023.
gnomAD v4.1: 285 of 1,614,016 alleles (0.018%); highest among the groups gnomAD compares: Non-Finnish European, 0.023%; no homozygotes.

Submissions (3):

Labcorp Genetics (formerly Invitae), Labcorp
Classification: Uncertain significance. Last evaluated: 2025-12-14. Review status: criteria provided, single submitter. Criteria: Invitae Variant Classification Sherloc (09022015). Collection method: clinical testing. Allele origin: germline.
Comment: This sequence change replaces proline, which is neutral and non-polar, with leucine, which is neutral and non-polar, at codon 459 of the IRF2BP2 protein (p.Pro459Leu). This variant is present in population databases (rs150262546, gnomAD 0.03%), and has an allele count higher than expected for a pathogenic variant. This variant has not been reported in the literature in individuals affected with IRF2BP2-related conditions. ClinVar contains an entry for this variant (Variation ID: 1408859). An algorithm developed to predict the effect of missense changes on protein structure and function (PolyPhen-2) suggests that this variant is likely to be tolerated. In summary, the available evidence is currently insufficient to determine the role of this variant in disease. Therefore, it has been classified as a Variant of Uncertain Significance.

Ambry Genetics
Classification: Uncertain significance. Last evaluated: 2024-11-13. Review status: criteria provided, single submitter. Criteria: Ambry Variant Classification Scheme 2023. Collection method: clinical testing. Allele origin: germline.

Blueprint Genetics
Classification: Likely benign. Last evaluated: 2024-02-22. Review status: criteria provided, single submitter. Criteria: ACMG Guidelines, 2015. Collection method: clinical testing. Allele origin: germline.

NM_182972.3(IRF2BP2):c.1376C>T (p.Pro459Leu)

Gene: IRF2BP2 (interferon regulatory factor 2 binding protein 2; minus strand). Cytogenetic location: 1q42.3.
Variant type: single nucleotide variant.
Coding change: c.1376C>T on transcript NM_182972.3 (MANE Select); coding-DNA position 1376, C replaced by T.
Protein change: p.Pro459Leu; replaces proline 459 with leucine.
Molecular consequence: missense variant.
Genome position (GRCh38, 1-based): chr1:234,607,525, G>A on the plus strand (C>T on the coding strand, the complement: IRF2BP2 is on the minus strand). VCF-style: chr1-234607525-G-A. GRCh37 (hg19) VCF-style: chr1-234743271-G-A.
Other names: c.1328C>T, p.Pro443Leu (NM_001077397.1); c.1376C>T (NM_182972.2); short protein forms P459L, P443L.
Identifiers: ClinVar variation 1408859 (VCV001408859.8), dbSNP rs150262546, ClinGen allele CA1461574.
Genomic context (GRCh38, chr1:234,607,525, plus strand): 5'-GCTCCCTGGCCCCCCACCTCTCTGGGGCCCAGCCTTCTTTGGTTCATAGAGGACGGAGAG[G>A]GCGGACTGTTGCTATTCCTCCTGGTAGTGGAGTGAACCTGGTTGGCATCTTTTGAGGCAT-3'
Protein context (NP_892017.2, residues 449-469): STTRRNSNSP[Pro459Leu]SPSSMNQRRL